The following is an entry in ClinVar:

NM_000444.6(PHEX):c.876del (p.Ser293fs)

Gene: PHEX (phosphate regulating endopeptidase X-linked; plus strand). Cytogenetic location: Xp22.11.
Variant type: Deletion.
Coding change: c.876del on transcript NM_000444.6 (MANE Select); coding-DNA position 876, one base deleted (C; older notation c.876delC).
Protein change: p.Ser293fs; shifts the reading frame from serine 293.
Molecular consequence: frameshift variant.
Genome position (GRCh38, 1-based): chrX:22,096,981, C deleted; the last of 2 consecutive C bases (chrX:22,096,980-22,096,981); deleting either gives the same sequence. VCF-style (leftmost placement, unchanged base first): chrX-22096979-AC-A. GRCh37 (hg19) VCF-style: chrX-22115097-AC-A.
Other names: c.876del, p.Ser293fs (NM_001282754.2); short protein forms S293fs.
Identifiers: ClinVar variation 3660595 (VCV003660595.2).

ClinVar aggregate classification (germline): Pathogenic (1 of 4 stars; one submission).

Submission:

Labcorp Genetics (formerly Invitae), Labcorp
Classification: Pathogenic. Last evaluated: 2024-07-25. Review status: criteria provided, single submitter. Criteria: Invitae Variant Classification Sherloc (09022015). Collection method: clinical testing. Allele origin: germline.
Comment: This sequence change creates a premature translational stop signal (p.Ser293Alafs*8) in the PHEX gene. It is expected to result in an absent or disrupted protein product. Loss-of-function variants in PHEX are known to be pathogenic (PMID: 9097956, 9106524, 19219621). This variant is not present in population databases (gnomAD no frequency). This variant has not been reported in the literature in individuals affected with PHEX-related conditions. For these reasons, this variant has been classified as Pathogenic.

Literature cited by the submitters: PubMed 9097956; PubMed 9106524; PubMed 19219621.